The following is an entry in ClinVar:

NM_014795.4(ZEB2):c.2933A>G (p.Asp978Gly)

Gene: ZEB2 (zinc finger E-box binding homeobox 2; minus strand). Cytogenetic location: 2q22.3.
Variant type: single nucleotide variant.
Coding change: c.2933A>G on transcript NM_014795.4 (MANE Select); coding-DNA position 2933, A replaced by G.
Protein change: p.Asp978Gly; replaces aspartic acid 978 with glycine.
Molecular consequence: missense variant.
Genome position (GRCh38, 1-based): chr2:144,396,546, T>C on the plus strand (A>G on the coding strand, the complement: ZEB2 is on the minus strand). VCF-style: chr2-144396546-T-C. GRCh37 (hg19) VCF-style: chr2-145154113-T-C.
Other names: c.2861A>G, p.Asp954Gly (NM_001171653.2); short protein forms D954G, D978G.
Identifiers: ClinVar variation 1393677 (VCV001393677.6), dbSNP rs2149875561, ClinGen allele CA348704614.

ClinVar aggregate classification (germline): Uncertain significance (1 of 4 stars; one submission).

Conditions:
Mowat-Wilson syndrome (MOWS). Also called: Classic Mowat-Wilson Syndrome. Identifiers: Orphanet 2152, MedGen C1856113, MONDO:0009341, OMIM 235730.

Submission:

Labcorp Genetics (formerly Invitae), Labcorp
Classification: Uncertain significance for Mowat-Wilson syndrome. Last evaluated: 2021-11-16. Review status: criteria provided, single submitter. Criteria: Invitae Variant Classification Sherloc (09022015). Collection method: clinical testing. Allele origin: germline.
Comment: This sequence change replaces aspartic acid, which is acidic and polar, with glycine, which is neutral and non-polar, at codon 978 of the ZEB2 protein (p.Asp978Gly). This variant is not present in population databases (gnomAD no frequency). This variant has not been reported in the literature in individuals affected with ZEB2-related conditions. Algorithms developed to predict the effect of missense changes on protein structure and function are either unavailable or do not agree on the potential impact of this missense change (SIFT: "Deleterious"; PolyPhen-2: "Probably Damaging"; Align-GVGD: "Class C0"). Algorithms developed to predict the effect of sequence changes on RNA splicing suggest that this variant may create or strengthen a splice site. In summary, the available evidence is currently insufficient to determine the role of this variant in disease. Therefore, it has been classified as a Variant of Uncertain Significance.